The following is an entry in ClinVar:

NM_001286.5(CLCN6):c.1174G>T (p.Ala392Ser)

Gene: CLCN6 (chloride voltage-gated channel 6; plus strand). Cytogenetic location: 1p36.22.
Variant type: single nucleotide variant.
Coding change: c.1174G>T on transcript NM_001286.5 (MANE Select); coding-DNA position 1174, G replaced by T.
Protein change: p.Ala392Ser; replaces alanine 392 with serine.
Molecular consequence: missense variant. On other transcripts: non-coding transcript variant (1).
Genome position (GRCh38, 1-based): chr1:11,829,248, G>T. VCF-style: chr1-11829248-G-T. GRCh37 (hg19) VCF-style: chr1-11889305-G-T.
Other names: c.1108G>T, p.Ala370Ser (NM_001256959.2); short protein forms A392S, A370S.
Identifiers: ClinVar variation 1398853 (VCV001398853.6), dbSNP rs368324581, ClinGen allele CA338431217.
Genomic context (GRCh38, chr1:11,829,248, plus strand): 5'-CCTCCTAGAGTCTTAGAGAGCCTCCTTGTGTCTCTGGTAACCACCGTGGTGGTGTTTGTG[G>T]CCTCGATGGTGTTAGGAGAATGCCGACAGATGTCCTCTTCGAGTCAAATCGGTAATGACT-3'
Protein context (NP_001277.2, residues 382-402): SLVTTVVVFV[Ala392Ser]SMVLGECRQM

ClinVar aggregate classification (germline): Uncertain significance (1 of 4 stars; one submission).

gnomAD v4.1: 13 of 1,614,042 alleles (0.00081%); highest among the groups gnomAD compares: Non-Finnish European, 0.0011%; no homozygotes.

Submission:

Labcorp Genetics (formerly Invitae), Labcorp
Classification: Uncertain significance. Last evaluated: 2025-04-16. Review status: criteria provided, single submitter. Criteria: Invitae Variant Classification Sherloc (09022015). Collection method: clinical testing. Allele origin: germline.
Comment: This sequence change replaces alanine, which is neutral and non-polar, with serine, which is neutral and polar, at codon 392 of the CLCN6 protein (p.Ala392Ser). This variant is present in population databases (no rsID available, gnomAD 0.002%). This variant has not been reported in the literature in individuals affected with CLCN6-related conditions. ClinVar contains an entry for this variant (Variation ID: 1398853). An algorithm developed to predict the effect of missense changes on protein structure and function (PolyPhen-2) suggests that this variant is likely to be tolerated. In summary, the available evidence is currently insufficient to determine the role of this variant in disease. Therefore, it has been classified as a Variant of Uncertain Significance.